The following is an entry in ClinVar:

ClinVar aggregate classification (germline): Uncertain significance (1 of 4 stars; one submission).

Allele frequency attached by ClinVar (database versions not stated): gnomAD exomes below 0.00001; gnomAD 0.00001.
gnomAD v4.1: 3 of 1,609,554 alleles (0.00019%); highest among the groups gnomAD compares: Admixed American, 0.0017%; no homozygotes.

Submission:

Labcorp Genetics (formerly Invitae), Labcorp
Classification: Uncertain significance. Last evaluated: 2023-06-13. Review status: criteria provided, single submitter. Criteria: Invitae Variant Classification Sherloc (09022015). Collection method: clinical testing. Allele origin: germline.
Comment: In summary, the available evidence is currently insufficient to determine the role of this variant in disease. Therefore, it has been classified as a Variant of Uncertain Significance. Advanced modeling of protein sequence and biophysical properties (such as structural, functional, and spatial information, amino acid conservation, physicochemical variation, residue mobility, and thermodynamic stability) has been performed at Invitae for this missense variant, however the output from this modeling did not meet the statistical confidence thresholds required to predict the impact of this variant on AQP2 protein function. This variant has not been reported in the literature in individuals affected with AQP2-related conditions. This variant is not present in population databases (gnomAD no frequency). This sequence change replaces isoleucine, which is neutral and non-polar, with threonine, which is neutral and polar, at codon 164 of the AQP2 protein (p.Ile164Thr).

NM_000486.6(AQP2):c.491T>C (p.Ile164Thr)

Genes: AQP2 (aquaporin 2; plus strand), AQP5-AS1 (AQP5 and AQP2 antisense RNA 2; minus strand). Cytogenetic location: 12q13.12.
Variant type: single nucleotide variant.
Coding change: c.491T>C on transcript NM_000486.6 (MANE Select); coding-DNA position 491, T replaced by C.
Protein change: p.Ile164Thr; replaces isoleucine 164 with threonine.
Molecular consequence: missense variant. On other transcripts: non-coding transcript variant (1).
Genome position (GRCh38, 1-based): chr12:49,954,285, T>C. VCF-style: chr12-49954285-T-C. GRCh37 (hg19) VCF-style: chr12-50348068-T-C.
Other names: short protein forms I164T.
Identifiers: ClinVar variation 2881666 (VCV002881666.3), dbSNP rs1218059646, ClinGen allele CA384773974.